The following is an entry in ClinVar:

ClinVar aggregate classification (germline): Uncertain significance (1 of 4 stars; one submission).

Conditions:
Glycogen storage disease, type IV (GSD4). Also called: GBE1 DEFICIENCY; GLYCOGEN BRANCHING ENZYME DEFICIENCY; GLYCOGENOSIS IV; GSD IV; Glycogen storage disease due to glycogen branching enzyme deficiency; AMYLOPECTINOSIS. Identifiers: Orphanet 367, MedGen C0017923, MONDO:0009292, OMIM 232500.
Glycogen storage disease IV, classic hepatic. Also called: GSD IV, CLASSIC HEPATIC. Identifiers: MedGen C1856301.

Submission:

Labcorp Genetics (formerly Invitae), Labcorp
Classification: Uncertain significance for Glycogen storage disease, type IV; Glycogen storage disease IV, classic hepatic. Last evaluated: 2022-06-30. Review status: criteria provided, single submitter. Criteria: Invitae Variant Classification Sherloc (09022015). Collection method: clinical testing. Allele origin: germline.
Comment: In summary, the available evidence is currently insufficient to determine the role of this variant in disease. Therefore, it has been classified as a Variant of Uncertain Significance. Advanced modeling of protein sequence and biophysical properties (such as structural, functional, and spatial information, amino acid conservation, physicochemical variation, residue mobility, and thermodynamic stability) performed at Invitae indicates that this missense variant is expected to disrupt GBE1 protein function. This variant has not been reported in the literature in individuals affected with GBE1-related conditions. This variant is not present in population databases (gnomAD no frequency). This sequence change replaces methionine, which is neutral and non-polar, with threonine, which is neutral and polar, at codon 238 of the GBE1 protein (p.Met238Thr).

NM_000158.4(GBE1):c.713T>C (p.Met238Thr)

Gene: GBE1 (1,4-alpha-glucan branching enzyme 1; minus strand). Cytogenetic location: 3p12.2.
Variant type: single nucleotide variant.
Coding change: c.713T>C on transcript NM_000158.4 (MANE Select); coding-DNA position 713, T replaced by C.
Protein change: p.Met238Thr; replaces methionine 238 with threonine.
Molecular consequence: missense variant.
Genome position (GRCh38, 1-based): chr3:81,646,461, A>G on the plus strand (T>C on the coding strand, the complement: GBE1 is on the minus strand). VCF-style: chr3-81646461-A-G. GRCh37 (hg19) VCF-style: chr3-81695612-A-G.
Other names: short protein forms M238T.
Identifiers: ClinVar variation 2012507 (VCV002012507.4), dbSNP rs1351821396, ClinGen allele CA353688152.
Genomic context (GRCh38, chr3:81,646,461, plus strand): 5'-GCAAAGAAGCTTGTGATTTGGTAACCAAAGCTGGCATAGTAAGCATGCTCCATGATTGCC[A>G]TCAACTGAATGCAGTTGTATCCTATATAAGGCAATGGTCAAATCTAAATTAAAAGCCACA-3'
Protein context (NP_000149.4, residues 228-248): KGLGYNCIQL[Met238Thr]AIMEHAYYAS